The following is an entry in ClinVar:

NM_145200.5(CABP4):c.455G>A (p.Arg152Gln)

Gene: CABP4 (calcium binding protein 4; plus strand). Cytogenetic location: 11q13.2.
Variant type: single nucleotide variant.
Coding change: c.455G>A on transcript NM_145200.5 (MANE Select); coding-DNA position 455, G replaced by A.
Protein change: p.Arg152Gln; replaces arginine 152 with glutamine.
Molecular consequence: missense variant.
Genome position (GRCh38, 1-based): chr11:67,456,356, G>A. VCF-style: chr11-67456356-G-A. GRCh37 (hg19) VCF-style: chr11-67223827-G-A.
Other names: c.140G>A, p.Arg47Gln (NM_001300895.3, NM_001300896.3, NM_001379183.1); short protein forms R152Q, R47Q.
Identifiers: ClinVar variation 305651 (VCV000305651.16), dbSNP rs143257000, ClinGen allele CA6140227.
Genomic context (GRCh38, chr11:67,456,356, plus strand): 5'-CAGAGCTTCAGGCCGCCTTCGAGGAGTTTGACACTGACCGTGACGGCTACATCAGCCACC[G>A]GGAGCTGGGTGACTGCATGCGGACCCTGGGCTACATGCCCACCGAGATGGAGCTCCTGGA-3'
Protein context (NP_660201.1, residues 142-162): DTDRDGYISH[Arg152Gln]ELGDCMRTLG

ClinVar aggregate classification (germline): Benign/Likely benign. Review status: criteria provided, multiple submitters, no conflicts (2 of 4 stars). 5 submissions from 5 submitters: Benign (1); Likely benign (3). 1 of the submissions does not count toward it. Last evaluated 2025-12-15.

Conditions:
CABP4-related disorder. Also called: CABP4-related condition.
Cone-rod synaptic disorder, congenital nonprogressive. Also called: NIGHT BLINDNESS, CONGENITAL STATIONARY, INCOMPLETE, AUTOSOMAL RECESSIVE. Identifiers: Orphanet 215, MedGen C4041558, MONDO:0012490, OMIM 610427.

Allele frequency attached by ClinVar (database versions not stated): gnomAD exomes 0.00013 and 0.00029; ExAC 0.00039; 1000 Genomes Project 0.00120; 1000 Genomes Project 30x 0.00125; gnomAD 0.00145 and 0.00159; ESP Exome Variant Server 0.00146; TOPMed 0.00174.

Submissions (5):

Labcorp Genetics (formerly Invitae), Labcorp
Classification: Likely benign. Last evaluated: 2025-12-15. Review status: criteria provided, single submitter. Criteria: Invitae Variant Classification Sherloc (09022015). Collection method: clinical testing. Allele origin: germline.

Blueprint Genetics
Classification: Benign. Last evaluated: 2024-08-23. Review status: criteria provided, single submitter. Criteria: ACMG Guidelines, 2015. Collection method: clinical testing. Allele origin: germline.

Illumina Laboratory Services, Illumina
Classification: Likely benign for Cone-rod synaptic disorder, congenital nonprogressive. Last evaluated: 2018-01-12. Review status: criteria provided, single submitter. Criteria: ICSL Variant Classification Criteria 13 December 2019. Collection method: clinical testing. Allele origin: germline.
Comment: This variant was observed in the ICSL laboratory as part of a predisposition screen in an ostensibly healthy population. It had not been previously curated by ICSL or reported in the Human Gene Mutation Database (HGMD: prior to June 1st, 2018), and was therefore a candidate for classification through an automated scoring system. Utilizing variant allele frequency, disease prevalence and penetrance estimates, and inheritance mode, an automated score was calculated to assess if this variant is too frequent to cause the disease. Based on the score and internal cut-off values, a variant classified as likely benign is not then subjected to further curation. The score for this variant resulted in a classification of likely benign for this disease.

Breakthrough Genomics
Classification: Likely benign. Review status: criteria provided, single submitter. Criteria: ACMG Guidelines, 2015. Collection method: not provided. Allele origin: germline. Inheritance: Autosomal recessive inheritance. Affected: yes.

PreventionGenetics, part of Exact Sciences
Classification: Likely benign for CABP4-related condition. Last evaluated: 2024-08-12. Review status: no assertion criteria provided. Collection method: clinical testing. Allele origin: germline. Not counted in ClinVar's aggregate classification.
Comment: This variant is classified as likely benign based on ACMG/AMP sequence variant interpretation guidelines (Richards et al. 2015 PMID: 25741868, with internal and published modifications).